The following is an entry in ClinVar:

ClinVar aggregate classification (germline): Pathogenic (1 of 4 stars; one submission).

Conditions:
Congenital lactic acidosis, Saguenay-Lac-Saint-Jean type (MC4DN5). Also called: CYTOCHROME c OXIDASE DEFICIENCY, FRENCH CANADIAN TYPE; COX DEFICIENCY, FRENCH CANADIAN TYPE; MITOCHONDRIAL COMPLEX IV DEFICIENCY, NUCLEAR TYPE 5. Identifiers: Orphanet 70472, MedGen C1857355, MONDO:0009069, OMIM 220111.

Submission:

Myriad Genetics, Inc.
Classification: Pathogenic for Congenital lactic acidosis, Saguenay-Lac-Saint-Jean type. Last evaluated: 2025-02-12. Review status: criteria provided, single submitter. Criteria: Myriad Autosomal Dominant, Autosomal Recessive and X-Linked Classification Criteria (2023). Collection method: clinical testing. Allele origin: unknown.
Comment: NM_133259.3(LRPPRC):c.580C>T(Q194*) is expected to be pathogenic in the context of Leigh syndrome, French-Canadian type. This variant is predicted to lead to an abnormal or absent protein product due to the creation of a premature termination codon in LRPPRC, a gene where loss-of-function variants are known to be pathogenic. Please note: this variant was assessed in the context of healthy population screening.

NM_133259.4(LRPPRC):c.580C>T (p.Gln194Ter)

Gene: LRPPRC (leucine rich pentatricopeptide repeat containing; minus strand). Cytogenetic location: 2p21.
Variant type: single nucleotide variant.
Coding change: c.580C>T on transcript NM_133259.4 (MANE Select); coding-DNA position 580, C replaced by T.
Protein change: p.Gln194Ter; replaces glutamine 194 with a stop codon.
Molecular consequence: nonsense.
Genome position (GRCh38, 1-based): chr2:43,977,166, G>A on the plus strand (C>T on the coding strand, the complement: LRPPRC is on the minus strand). VCF-style: chr2-43977166-G-A. GRCh37 (hg19) VCF-style: chr2-44204305-G-A.
Other names: short protein forms Q194*.
Identifiers: ClinVar variation 5014093 (VCV005014093.1).
Genomic context (GRCh38, chr2:43,977,166, plus strand): 5'-GAAAAAAAATGGTGGATGTGAAAATATATTCACAATAGCAACTACTTACTCGATTTGGTT[G>A]AATGTTTGCTTCCTCCATTTTTGCCAGGAAATCAGTTGGTGAGAATTTATATTCATTTTG-3'